The following is an entry in ClinVar:

ClinVar aggregate classification (germline): Uncertain significance (1 of 4 stars; one submission).

Conditions:
Meckel-Gruber syndrome. Also called: DYSENCEPHALIA SPLANCHNOCYSTICA; GRUBER SYNDROME; Dysencephalia splachnocystica. Identifiers: Orphanet 564, MedGen C0265215, MONDO:0018921.
Joubert syndrome. Also called: CEREBELLOPARENCHYMAL DISORDER IV; JOUBERT-BOLTSHAUSER SYNDROME; Familial aplasia of the vermis. Identifiers: Orphanet 475, MedGen C5979921, MONDO:0018772.

Allele frequency attached by ClinVar (database versions not stated): gnomAD 0.00001 and 0.00002; gnomAD exomes 0.00001; 1000 Genomes Project 30x 0.00016; 1000 Genomes Project 0.00020.
gnomAD v4.1: 18 of 1,596,702 alleles (0.0011%); highest among the groups gnomAD compares: Non-Finnish European, 0.0013%; no homozygotes.

Submission:

Labcorp Genetics (formerly Invitae), Labcorp
Classification: Uncertain significance for Joubert syndrome; Meckel-Gruber syndrome. Last evaluated: 2025-03-10. Review status: criteria provided, single submitter. Criteria: Invitae Variant Classification Sherloc (09022015). Collection method: clinical testing. Allele origin: germline.
Comment: This sequence change falls in intron 25 of the RPGRIP1L gene. It does not directly change the encoded amino acid sequence of the RPGRIP1L protein. It affects a nucleotide within the consensus splice site. This variant is present in population databases (rs188594966, gnomAD 0.007%). This variant has not been reported in the literature in individuals affected with RPGRIP1L-related conditions. ClinVar contains an entry for this variant (Variation ID: 1492550). Variants that disrupt the consensus splice site are a relatively common cause of aberrant splicing (PMID: 17576681, 9536098). Algorithms developed to predict the effect of sequence changes on RNA splicing suggest that this variant is not likely to affect RNA splicing. In summary, the available evidence is currently insufficient to determine the role of this variant in disease. Therefore, it has been classified as a Variant of Uncertain Significance.

Literature cited by the submitters: PubMed 17576681; PubMed 9536098.

NM_015272.5(RPGRIP1L):c.3701+3A>G

Gene: RPGRIP1L (RPGRIP1 like; minus strand). Cytogenetic location: 16q12.2.
Variant type: single nucleotide variant.
Coding change: c.3701+3A>G on transcript NM_015272.5 (MANE Select); 3 bases into the intron after coding-DNA position 3701, A replaced by G.
Molecular consequence: intron variant.
Genome position (GRCh38, 1-based): chr16:53,610,964, T>C on the plus strand (A>G on the coding strand, the complement: RPGRIP1L is on the minus strand). VCF-style: chr16-53610964-T-C. GRCh37 (hg19) VCF-style: chr16-53644876-T-C.
Other names: c.3461+3A>G (NM_001127897.4); c.3599+3A>G (NM_001330538.2); c.3563+3A>G (NM_001308334.3).
Identifiers: ClinVar variation 1492550 (VCV001492550.4), dbSNP rs188594966, ClinGen allele CA281352756.